The following is an entry in ClinVar:

NM_001007237.3(IGSF3):c.3069_3070insAAC (p.Asp1023_Asp1024insAsn)

Gene: IGSF3 (immunoglobulin superfamily member 3; minus strand). Cytogenetic location: 1p13.1.
Variant type: Insertion.
Coding change: c.3069_3070insAAC on transcript NM_001007237.3 (MANE Select); coding-DNA positions 3069 to 3070, AAC inserted.
Protein change: p.Asp1023_Asp1024insAsn.
Genome position: GRCh38 VCF-style: chr1-116579656-C-CGTT. GRCh37 (hg19) VCF-style: chr1-117122278-C-CGTT.
Other names: c.3129_3130insAAC, p.Asp1043_Asp1044insAsn (NM_001542.4).
Identifiers: ClinVar variation 3046067 (VCV003046067.2), dbSNP rs748093509, ClinGen allele CA1026081.
Genomic context (GRCh38, chr1:116,579,656, plus strand): 5'-GGCCAAAGACAGCATCTGGGCCCACGCTCAGCAGGGCCGTCCGCTCTGTTGGGTCGTCGT[C>CGTT]GTCGTCGTCGTCCTCCTCCTCCTCCTCCTCCCTTTCCTCTTCCTGTTCTTCCAGGCCAGG-3'

ClinVar aggregate classification (germline): Benign (0 of 4 stars; one submission).

Conditions:
IGSF3-related disorder. Also called: IGSF3-related condition.

Submission:

PreventionGenetics, part of Exact Sciences
Classification: Benign for IGSF3-related condition. Last evaluated: 2019-10-07. Review status: no assertion criteria provided. Collection method: clinical testing. Allele origin: germline.
Comment: This variant is classified as benign based on ACMG/AMP sequence variant interpretation guidelines (Richards et al. 2015 PMID: 25741868, with internal and published modifications).